The following is an entry in ClinVar:

ClinVar aggregate classification (germline): Uncertain significance (1 of 4 stars; one submission).

Allele frequency attached by ClinVar (database versions not stated): gnomAD exomes below 0.00001; TOPMed below 0.00001; ExAC 0.00001; ESP Exome Variant Server 0.00008.

Submission:

Labcorp Genetics (formerly Invitae), Labcorp
Classification: Uncertain significance. Last evaluated: 2023-07-10. Review status: criteria provided, single submitter. Criteria: Invitae Variant Classification Sherloc (09022015). Collection method: clinical testing. Allele origin: germline.
Comment: This variant has not been reported in the literature in individuals affected with KIDINS220-related conditions. The frequency data for this variant in the population databases is considered unreliable, as metrics indicate poor data quality at this position in the gnomAD database. This sequence change replaces glycine, which is neutral and non-polar, with serine, which is neutral and polar, at codon 38 of the KIDINS220 protein (p.Gly38Ser). In summary, the available evidence is currently insufficient to determine the role of this variant in disease. Therefore, it has been classified as a Variant of Uncertain Significance. Algorithms developed to predict the effect of sequence changes on RNA splicing suggest that this variant may create or strengthen a splice site. An algorithm developed to predict the effect of missense changes on protein structure and function (PolyPhen-2) suggests that this variant is likely to be disruptive. ClinVar contains an entry for this variant (Variation ID: 2123819).

NM_020738.4(KIDINS220):c.112G>A (p.Gly38Ser)

Gene: KIDINS220 (kinase D interacting substrate 220; minus strand). Cytogenetic location: 2p25.1.
Variant type: single nucleotide variant.
Coding change: c.112G>A on transcript NM_020738.4 (MANE Select); coding-DNA position 112, G replaced by A.
Protein change: p.Gly38Ser; replaces glycine 38 with serine.
Molecular consequence: missense variant. On other transcripts: 5 prime UTR variant (1), non-coding transcript variant (2).
Genome position (GRCh38, 1-based): chr2:8,818,790, C>T on the plus strand (G>A on the coding strand, the complement: KIDINS220 is on the minus strand). VCF-style: chr2-8818790-C-T. GRCh37 (hg19) VCF-style: chr2-8958920-C-T.
Other names: c.112G>A, p.Gly38Ser (NM_001348729.2, NM_001348731.2, NM_001348732.2 and 9 more transcripts); c.-15G>A (NM_001348736.2); short protein forms G38S.
Identifiers: ClinVar variation 2123819 (VCV002123819.4), dbSNP rs374455681, ClinGen allele CA1520520.